The following is an entry in ClinVar:

NM_000038.6(APC):c.4862A>C (p.Gln1621Pro)

Gene: APC (APC regulator of Wnt signaling pathway; plus strand). Cytogenetic location: 5q22.2.
Variant type: single nucleotide variant.
Coding change: c.4862A>C on transcript NM_000038.6 (MANE Select); coding-DNA position 4862, A replaced by C.
Protein change: p.Gln1621Pro; replaces glutamine 1621 with proline.
Molecular consequence: missense variant. On other transcripts: non-coding transcript variant (2).
Genome position (GRCh38, 1-based): chr5:112,840,456, A>C. VCF-style: chr5-112840456-A-C. GRCh37 (hg19) VCF-style: chr5-112176153-A-C.
Other names: c.4613A>C, p.Gln1538Pro (NM_001407455.1, NM_001407456.1, NM_001407457.1 and 1 more transcripts); c.4559A>C, p.Gln1520Pro (NM_001407458.1, NM_001407459.1, NM_001407460.1 and 1 more transcripts); c.4475A>C, p.Gln1492Pro (NM_001407467.1, NM_001407469.1); c.4013A>C, p.Gln1338Pro (NM_001407470.1, NM_001354906.2); c.3710A>C, p.Gln1237Pro (NM_001407471.1, NM_001407472.1); c.4862A>C, p.Gln1621Pro (NM_001127510.3, NM_001354895.2, NM_001407450.1); c.4808A>C, p.Gln1603Pro (NM_001127511.3); c.4916A>C, p.Gln1639Pro (NM_001354896.2, NM_001407447.1, NM_001407448.1 and 1 more transcripts); and 11 more; short protein forms Q1338P, Q1495P, Q1520P, Q1614P, Q1631P, Q1639P, Q1649P, Q1461P.
Identifiers: ClinVar variation 4587317 (VCV004587317.1).
Genomic context (GRCh38, chr5:112,840,456, plus strand): 5'-TACCTCCACCTGTGGCAAGGAAACCAAGTCAGCTGCCTGTGTACAAACTTCTACCATCAC[A>C]AAACAGGTTGCAACCCCAAAAGCATGTTAGTTTTACACCGGGGGATGATATGCCACGGGT-3'
Protein context (NP_000029.2, residues 1611-1631): QLPVYKLLPS[Gln1621Pro]NRLQPQKHVS

ClinVar aggregate classification (germline): Uncertain significance (1 of 4 stars; one submission).

Conditions:
Hereditary cancer-predisposing syndrome. Also called: Neoplastic Syndromes, Hereditary; Tumor predisposition; Hereditary Cancer Syndrome; Hereditary neoplastic syndrome. Identifiers: Orphanet 140162, MedGen C0027672, MeSH D009386, MONDO:0015356.

Submission:

Ambry Genetics
Classification: Uncertain significance for Hereditary cancer-predisposing syndrome. Last evaluated: 2025-10-28. Review status: criteria provided, single submitter. Criteria: Ambry Variant Classification Scheme 2023. Collection method: clinical testing. Allele origin: germline.
Comment: The p.Q1621P variant (also known as c.4862A>C), located in coding exon 15 of the APC gene, results from an A to C substitution at nucleotide position 4862. The glutamine at codon 1621 is replaced by proline, an amino acid with similar properties. This amino acid position is conserved. In addition, in silico predictors for this gene do not accurately predict pathogenicity. Based on the available evidence, the clinical significance of this variant remains unclear.